The following is an entry in ClinVar:

ClinVar aggregate classification (germline): Pathogenic (1 of 4 stars; one submission).

Conditions:
LRRC7-associated obesity and neurodevelopmental disorder.

Submission:

Institute of Human Genetics, University of Leipzig Medical Center
Classification: Pathogenic for LRRC7-associated obesity and neurodevelopmental disorder. Last evaluated: 2025-04-08. Review status: criteria provided, single submitter. Criteria: ACMG Guidelines, 2015. Collection method: clinical testing. Allele origin: unknown. Inheritance: Autosomal dominant inheritance. Affected: yes.
Comment: Criteria applied: PVS1,PM2

Literature cited by the submitters: PubMed 39256359.

NM_001370785.2(LRRC7):c.2242C>T (p.Gln748Ter)

Genes: LRRC7 (leucine rich repeat containing 7; plus strand), LRRC7-AS1 (LRRC7 antisense RNA 1; minus strand). Cytogenetic location: 1p31.1.
Variant type: single nucleotide variant.
Coding change: c.2242C>T on transcript NM_001370785.2 (MANE Select); coding-DNA position 2242, C replaced by T.
Protein change: p.Gln748Ter; replaces glutamine 748 with a stop codon.
Molecular consequence: nonsense. On other transcripts: non-coding transcript variant (1).
Genome position (GRCh38, 1-based): chr1:70,036,578, C>T. VCF-style: chr1-70036578-C-T. GRCh37 (hg19) VCF-style: chr1-70502261-C-T.
Other names: c.2143C>T, p.Gln715Ter (NM_001330635.3, NM_001366841.1); c.2245C>T, p.Gln749Ter (NM_001350216.3); c.2242C>T, p.Gln748Ter (NM_001366838.3); c.2083C>T, p.Gln695Ter (NM_001366839.3); short protein forms Q695*, Q715*, Q748*, Q749*.
Identifiers: ClinVar variation 3901201 (VCV003901201.1).